The following is an entry in ClinVar:

NM_001197104.2(KMT2A):c.2456A>C (p.Gln819Pro)

Gene: KMT2A (lysine methyltransferase 2A; plus strand). Cytogenetic location: 11q23.3.
Variant type: single nucleotide variant.
Coding change: c.2456A>C on transcript NM_001197104.2 (MANE Select); coding-DNA position 2456, A replaced by C.
Protein change: p.Gln819Pro; replaces glutamine 819 with proline.
Molecular consequence: missense variant.
Genome position (GRCh38, 1-based): chr11:118,473,615, A>C. VCF-style: chr11-118473615-A-C. GRCh37 (hg19) VCF-style: chr11-118344330-A-C.
Other names: c.2555A>C, p.Gln852Pro (NM_001412597.1); c.2456A>C, p.Gln819Pro (NM_005933.4); short protein forms Q819P, Q852P.
Identifiers: ClinVar variation 2764592 (VCV002764592.3), dbSNP rs2134268920, ClinGen allele CA382815442.
Genomic context (GRCh38, chr11:118,473,615, plus strand): 5'-CTTCTCATTCCCTGACTCAGTCTGGGGAATCTGCAGAGAAAAATCAGAGACCAAGGAAGC[A>C]GACTAGTGCTCCGGCAGAGCCATTTTCATCAAGTAGTCCTACTCCTCTCTTCCCTTGGTT-3'
Protein context (NP_001184033.1, residues 809-829): SAEKNQRPRK[Gln819Pro]TSAPAEPFSS

ClinVar aggregate classification (germline): Uncertain significance (1 of 4 stars; one submission).

Submission:

Labcorp Genetics (formerly Invitae), Labcorp
Classification: Uncertain significance. Last evaluated: 2023-05-23. Review status: criteria provided, single submitter. Criteria: Invitae Variant Classification Sherloc (09022015). Collection method: clinical testing. Allele origin: germline.
Comment: This sequence change replaces glutamine, which is neutral and polar, with proline, which is neutral and non-polar, at codon 819 of the KMT2A protein (p.Gln819Pro). This variant is not present in population databases (gnomAD no frequency). In summary, the available evidence is currently insufficient to determine the role of this variant in disease. Therefore, it has been classified as a Variant of Uncertain Significance. Advanced modeling of protein sequence and biophysical properties (such as structural, functional, and spatial information, amino acid conservation, physicochemical variation, residue mobility, and thermodynamic stability) performed at Invitae indicates that this missense variant is not expected to disrupt KMT2A protein function. This variant has not been reported in the literature in individuals affected with KMT2A-related conditions.